The following is an entry in ClinVar:

ClinVar aggregate classification (germline): Likely pathogenic (1 of 4 stars; one submission).

Conditions:
Sandhoff disease. Also called: GM2-GANGLIOSIDOSIS, TYPE II; Beta-hexosaminidase-beta-subunit deficiency; GM2 gangliosidosis, type 2; Total hexosaminidase deficiency; Sandhoff-Jatzkewitz-Pilz disease; HEXOSAMINIDASES A AND B DEFICIENCY. Identifiers: Orphanet 796, MedGen C0036161, MONDO:0010006, OMIM 268800.

Allele frequency attached by ClinVar (database versions not stated): gnomAD 0.00001.
gnomAD v4.1: 1 of 1,612,014 alleles (0.000062%); highest among the groups gnomAD compares: East Asian, 0.0022%; no homozygotes.

Submission:

Women's Health and Genetics/Laboratory Corporation of America, LabCorp
Classification: Likely pathogenic for Sandhoff disease. Last evaluated: 2025-04-21. Review status: criteria provided, single submitter. Criteria: LabCorp Variant Classification Summary - May 2015. Collection method: clinical testing. Allele origin: germline.
Comment: Variant summary: HEXB c.703C>T (p.His235Tyr) results in a conservative amino acid change located in the Glycoside hydrolase family 20, catalytic domain of the encoded protein sequence. Four of five in-silico tools predict a damaging effect of the variant on protein function. The variant was absent in 251384 control chromosomes. c.703C>T has been observed in individual(s) affected with Sandhoff Disease (Yamada_2013). At least one publication reports experimental evidence evaluating an impact on protein function. The most pronounced variant effect results in <10% of normal activity (Yamada_2013). The following publications have been ascertained in the context of this evaluation (PMID: 31367523, 23127958). ClinVar contains an entry for this variant (Variation ID: 987850). Based on the evidence outlined above, the variant was classified as likely pathogenic.

Literature cited by the submitters: PubMed 31367523; PubMed 23127958.

NM_000521.4(HEXB):c.703C>T (p.His235Tyr)

Gene: HEXB (hexosaminidase subunit beta; plus strand). Cytogenetic location: 5q13.3.
Variant type: single nucleotide variant.
Coding change: c.703C>T on transcript NM_000521.4 (MANE Select); coding-DNA position 703, C replaced by T.
Protein change: p.His235Tyr; replaces histidine 235 with tyrosine.
Molecular consequence: missense variant.
Genome position (GRCh38, 1-based): chr5:74,705,252, C>T. VCF-style: chr5-74705252-C-T. GRCh37 (hg19) VCF-style: chr5-74001077-C-T.
Other names: c.28C>T, p.His10Tyr (NM_001292004.2); short protein forms H10Y, H235Y.
Identifiers: ClinVar variation 987850 (VCV000987850.3), dbSNP rs1554035822, ClinGen allele CA360065631.